The following is an entry in ClinVar:

ClinVar aggregate classification (germline): Likely pathogenic. Review status: criteria provided, multiple submitters, no conflicts (2 of 4 stars). 3 submissions from 3 submitters: Likely pathogenic (2). 1 of the submissions does not count toward it. Last evaluated 2024-03-31.

Conditions:
Autoimmune disease, multisystem, infantile-onset, 2 (ADMIO2). Identifiers: MedGen C4310768, MONDO:0014861, OMIM 617006.
Combined immunodeficiency due to ZAP70 deficiency (IMD48). Also called: Immunodeficiency 48; ZAP70 Deficiency. Identifiers: Orphanet 911, MedGen C2931299, MONDO:0010023, OMIM 269840.
Severe combined immunodeficiency disease. Also called: Severe combined immunodeficiency; Severe Combined Immune Deficiency. Identifiers: Orphanet 183660, MedGen C0085110, MeSH D016511, MONDO:0015974, HP:0004430. Inheritance: X-Linked or Autosomal recessive.

Allele frequency attached by ClinVar (database versions not stated): gnomAD exomes 0.00001 and below 0.00001; gnomAD 0.00001; TOPMed below 0.00001; ExAC 0.00001.
gnomAD v4.1: 9 of 1,613,996 alleles (0.00056%); highest among the groups gnomAD compares: Non-Finnish European, 0.00076%; no homozygotes.

Submissions (3):

Fulgent Genetics
Classification: Likely pathogenic for Combined immunodeficiency due to ZAP70 deficiency; Autoimmune disease, multisystem, infantile-onset, 2. Last evaluated: 2024-03-31. Review status: criteria provided, single submitter. Criteria: ACMG Guidelines, 2015. Collection method: clinical testing. Allele origin: germline.

Women's Health and Genetics/Laboratory Corporation of America, LabCorp
Classification: Likely pathogenic for Severe combined immunodeficiency disease. Last evaluated: 2024-03-27. Review status: criteria provided, single submitter. Criteria: LabCorp Variant Classification Summary - May 2015. Collection method: clinical testing. Allele origin: germline.
Comment: Variant summary: ZAP70 c.1393C>T (p.Arg465Cys) results in a non-conservative amino acid change in the encoded protein sequence. Five of five in-silico tools predict a damaging effect of the variant on protein function. The variant allele was found at a frequency of 8e-06 in 251260 control chromosomes (gnomAD). c.1393C>T has been reported in the literature in a homozygous individual affected with Severe Combined Immunodeficiency (Elder_2001). These data indicate that the variant may be associated with disease. At least one publication reports experimental evidence evaluating an impact on protein function and found that the variant is catalytically inactive, with <10% normal activity (Elder_2001). The following publication has been ascertained in the context of this evaluation (PMID: 11123350). ClinVar contains an entry for this variant (Variation ID: 38912). Based on the evidence outlined above, the variant was classified as likely pathogenic.

GeneReviews
No classification provided. Condition: Combined immunodeficiency due to ZAP70 deficiency. Review status: no classification provided. Collection method: literature only. Allele origin: germline. Not counted in ClinVar's aggregate classification.

Literature cited by the submitters: PubMed 11123350 (cited by Women's Health and Genetics/Laboratory Corporation of America, LabCorp); NCBI Bookshelf NBK20221 (cited by GeneReviews); PubMed 20301777 (cited by GeneReviews).

NM_001079.4(ZAP70):c.1393C>T (p.Arg465Cys)

Gene: ZAP70 (zeta chain of T cell receptor associated protein kinase 70; plus strand). Cytogenetic location: 2q11.2.
Variant type: single nucleotide variant.
Coding change: c.1393C>T on transcript NM_001079.4 (MANE Select); coding-DNA position 1393, C replaced by T.
Protein change: p.Arg465Cys; replaces arginine 465 with cysteine.
Molecular consequence: missense variant.
Genome position (GRCh38, 1-based): chr2:97,737,576, C>T. VCF-style: chr2-97737576-C-T. GRCh37 (hg19) VCF-style: chr2-98354039-C-T.
Other names: c.1393C>T, p.Arg465Cys (NM_001378594.1); c.472C>T, p.Arg158Cys (NM_207519.2); short protein forms R465C, R158C.
Identifiers: ClinVar variation 38912 (VCV000038912.7), dbSNP rs113994174, ClinGen allele CA343162.